The following is an entry in ClinVar:

ClinVar aggregate classification (germline): Conflicting classifications of pathogenicity. Review status: criteria provided, conflicting classifications (1 of 4 stars). 3 submissions from 3 submitters: Uncertain significance (1); Likely benign (1). 1 of the submissions does not count toward it. Last evaluated 2025-10-16.

Conditions:
AMACR-related disorder. Also called: AMACR-related condition; AMACR-Related Disorders.
Alpha-methylacyl-CoA racemase deficiency (AMACRD). Also called: AMACR deficiency. Identifiers: Orphanet 79095, MedGen C3280428, MONDO:0013681, OMIM 614307. Disease mechanism: loss of function.

Allele frequency attached by ClinVar (database versions not stated): gnomAD exomes below 0.00001 and 0.00001; ExAC 0.00001; gnomAD 0.00006; TOPMed 0.00020.
gnomAD v4.1: 16 of 1,609,870 alleles (0.00099%); highest among the groups gnomAD compares: Admixed American, 0.023%; no homozygotes.

Submissions (3):

Labcorp Genetics (formerly Invitae), Labcorp
Classification: Likely benign for Alpha-methylacyl-CoA racemase deficiency. Last evaluated: 2025-10-16. Review status: criteria provided, single submitter. Criteria: Invitae Variant Classification Sherloc (09022015). Collection method: clinical testing. Allele origin: germline.

Eurofins Ntd Llc (ga)
Classification: Uncertain significance. Last evaluated: 2018-05-07. Review status: criteria provided, single submitter. Criteria: EGL ClinVar v180209 classification definitions. Collection method: clinical testing. Allele origin: germline. Observed: 1 variant allele, 1 heterozygote.

PreventionGenetics, part of Exact Sciences
Classification: Likely benign for AMACR-related condition. Last evaluated: 2021-10-18. Review status: no assertion criteria provided. Collection method: clinical testing. Allele origin: germline. Not counted in ClinVar's aggregate classification.
Comment: This variant is classified as likely benign based on ACMG/AMP sequence variant interpretation guidelines (Richards et al. 2015 PMID: 25741868, with internal and published modifications).

NM_014324.6(AMACR):c.90T>G (p.Arg30=)

Genes: C1QTNF3-AMACR (C1QTNF3-AMACR readthrough (NMD candidate); minus strand), AMACR (alpha-methylacyl-CoA racemase; minus strand). Cytogenetic location: 5p13.2.
Variant type: single nucleotide variant.
Coding change: c.90T>G on transcript NM_014324.6 (MANE Select); coding-DNA position 90, T replaced by G.
Protein change: p.Arg30=; no amino-acid change (arginine 30 retained).
Molecular consequence: synonymous variant.
Genome position (GRCh38, 1-based): chr5:34,007,930, A>C on the plus strand (T>G on the coding strand, the complement: AMACR is on the minus strand). VCF-style: chr5-34007930-A-C. GRCh37 (hg19) VCF-style: chr5-34008035-A-C.
Other names: c.90T>G, p.Arg30= (NM_001167595.2, NM_203382.3).
Identifiers: ClinVar variation 597136 (VCV000597136.18), dbSNP rs769780647, ClinGen allele CA3226298.